The following is an entry in ClinVar:

NM_002972.4(SBF1):c.2672C>T (p.Pro891Leu)

Gene: SBF1 (SET binding factor 1; minus strand). Cytogenetic location: 22q13.33.
Variant type: single nucleotide variant.
Coding change: c.2672C>T on transcript NM_002972.4 (MANE Select); coding-DNA position 2672, C replaced by T.
Protein change: p.Pro891Leu; replaces proline 891 with leucine.
Molecular consequence: missense variant.
Genome position (GRCh38, 1-based): chr22:50,461,690, G>A on the plus strand (C>T on the coding strand, the complement: SBF1 is on the minus strand). VCF-style: chr22-50461690-G-A. GRCh37 (hg19) VCF-style: chr22-50900119-G-A.
Other names: c.2675C>T, p.Pro892Leu (NM_001365819.1, NM_001410794.1); c.2672C>T, p.Pro891Leu (NM_001410795.1, NM_197971.1); c.2672C>T (NM_002972.2); short protein forms P891L, P892L.
Identifiers: ClinVar variation 1991033 (VCV001991033.16), dbSNP rs746593098, ClinGen allele CA10317094.

ClinVar aggregate classification (germline): Uncertain significance. Review status: criteria provided, multiple submitters, no conflicts (2 of 4 stars). 3 submissions from 3 submitters: Uncertain significance (3). Last evaluated 2024-11-01.

Allele frequency attached by ClinVar (database versions not stated): gnomAD 0.00001; gnomAD exomes 0.00002; TOPMed 0.00002; ExAC 0.00004.

Submissions (3):

CeGaT Center for Human Genetics Tuebingen
Classification: Uncertain significance. Last evaluated: 2024-11-01. Review status: criteria provided, single submitter. Criteria: CeGaT Center For Human Genetics Tuebingen Variant Classification Criteria Version 2. Collection method: clinical testing. Allele origin: germline. Affected: yes. Observed: 1 variant allele.
Comment: SBF1: PM2, PP3

Ambry Genetics
Classification: Uncertain significance. Last evaluated: 2023-11-14. Review status: criteria provided, single submitter. Criteria: Ambry Variant Classification Scheme 2023. Collection method: clinical testing. Allele origin: germline.

Labcorp Genetics (formerly Invitae), Labcorp
Classification: Uncertain significance. Last evaluated: 2022-07-31. Review status: criteria provided, single submitter. Criteria: Invitae Variant Classification Sherloc (09022015). Collection method: clinical testing. Allele origin: germline.
Comment: This sequence change replaces proline, which is neutral and non-polar, with leucine, which is neutral and non-polar, at codon 891 of the SBF1 protein (p.Pro891Leu). This variant is present in population databases (rs746593098, gnomAD 0.006%). This variant has not been reported in the literature in individuals affected with SBF1-related conditions. Algorithms developed to predict the effect of missense changes on protein structure and function (SIFT, PolyPhen-2, Align-GVGD) all suggest that this variant is likely to be tolerated. In summary, the available evidence is currently insufficient to determine the role of this variant in disease. Therefore, it has been classified as a Variant of Uncertain Significance.